The following is an entry in ClinVar:

NM_032043.3(BRIP1):c.3208del (p.Ser1070fs)

Gene: BRIP1 (BRCA1 interacting DNA helicase 1; minus strand). Cytogenetic location: 17q23.2.
Variant type: Deletion.
Coding change: c.3208del on transcript NM_032043.3 (MANE Select); coding-DNA position 3208, one base deleted (T; older notation c.3208delT).
Protein change: p.Ser1070fs; shifts the reading frame from serine 1070.
Molecular consequence: frameshift variant.
Genome position (GRCh38, 1-based): chr17:61,683,838, A deleted on the plus strand (T on the coding strand, the reverse complement: BRIP1 is on the minus strand). VCF-style (leftmost placement, unchanged base first): chr17-61683837-GA-G. GRCh37 (hg19) VCF-style: chr17-59761198-GA-G.
Other names: c.3208delT (NM_032043.2); short protein forms S1070fs.
Identifiers: ClinVar variation 461046 (VCV000461046.22), dbSNP rs748598593, ClinGen allele CA8690387.
Genomic context (GRCh38, chr17:61,683,837, plus strand): 5'-TCAGAATGATTTTTTCTAGTAAGGGTGGCATCAATCTTTAATGATGAAATAATGGTTTCT[GA>G]TTGAGGGCATGATCCAAACGATGTGTTTACTGTCAGATTTGAGGATTCACATTTATCAGT-3'

ClinVar aggregate classification (germline): Conflicting classifications of pathogenicity. Review status: criteria provided, conflicting classifications (1 of 4 stars). 6 submissions from 6 submitters: Likely pathogenic (3); Uncertain significance (3). Last evaluated 2025-12-23.

Conditions:
Hereditary cancer-predisposing syndrome. Also called: Hereditary neoplastic syndrome; Neoplastic Syndromes, Hereditary; Tumor predisposition; Hereditary Cancer Syndrome. Identifiers: Orphanet 140162, MedGen C0027672, MeSH D009386, MONDO:0015356.
Fanconi anemia complementation group J. Also called: BRIP1-Related Fanconi Anemia. Identifiers: Orphanet 84, MedGen C1836860, MONDO:0012187, OMIM 609054.
Familial cancer of breast. Also called: BREAST CANCER, FAMILIAL; hereditary breast carcinoma; Hereditary breast cancer. Identifiers: Orphanet 227535, MedGen C0346153, MONDO:0016419, OMIM 114480. Disease mechanism: loss of function.
Hereditary breast ovarian cancer syndrome. Also called: Hereditary breast and/or ovarian cancer syndrome; BRCA1- and BRCA2-Associated Hereditary Breast and Ovarian Cancer; Hereditary breast and ovarian cancer; Breast and ovarian cancer; Hereditary breast and ovarian cancer syndrome; Hereditary breast and ovarian cancer syndrome (HBOC). Identifiers: Orphanet 145, MedGen C0677776, MeSH D061325, MONDO:0003582. Disease mechanism: loss of function.

Allele frequency attached by ClinVar (database versions not stated): ExAC 0.00001.

Submissions (6):

Labcorp Genetics (formerly Invitae), Labcorp
Classification: Uncertain significance for Familial cancer of breast; Fanconi anemia complementation group J. Last evaluated: 2025-12-23. Review status: criteria provided, single submitter. Criteria: Invitae Variant Classification Sherloc (09022015). Collection method: clinical testing. Allele origin: germline.
Comment: This sequence change creates a premature translational stop signal (p.Ser1070Glnfs*8) in the BRIP1 gene. While this is not anticipated to result in nonsense mediated decay, it is expected to disrupt the last 180 amino acid(s) of the BRIP1 protein. This variant is present in population databases (rs748598593, gnomAD 0.006%). This premature translational stop signal has been observed in individual(s) with breast cancer and/or endometrial cancer (PMID: 28452373, 30914433, 36451132). ClinVar contains an entry for this variant (Variation ID: 461046). In summary, the available evidence is currently insufficient to determine the role of this variant in disease. Therefore, it has been classified as a Variant of Uncertain Significance.

Quest Diagnostics Nichols Institute San Juan Capistrano
Classification: Uncertain significance. Last evaluated: 2025-10-06. Review status: criteria provided, single submitter. Criteria: Quest Diagnostics criteria. Collection method: clinical testing. Allele origin: unknown.
Comment: The BRIP1 c.3208del (p.Ser1070Glnfs*8) variant alters the translational reading frame of the BRIP1 mRNA and is predicted to cause the premature termination of BRIP1 protein synthesis, however, nonsense-mediated decay is not expected to occur. This variant has been reported in the published literature in the germline of individuals affected with endometrial cancer (PMID: 28452373 (2017)) and breast cancer (PMID: 36451132 (2022)). This variant has not been reported in large, multi-ethnic general populations (Genome Aggregation Database). Based on the available information, we are unable to determine the clinical significance of this variant.

Ambry Genetics
Classification: Uncertain significance for Hereditary cancer-predisposing syndrome. Last evaluated: 2025-04-24. Review status: criteria provided, single submitter. Criteria: Ambry Variant Classification Scheme 2023. Collection method: clinical testing. Allele origin: germline.
Comment: The c.3208delT variant, located in coding exon 19 of the BRIP1 gene, results from a deletion of one nucleotide at nucleotide position 3208, causing a translational frameshift with a predicted alternate stop codon (p.S1070Qfs*8). This alteration occurs at the 3' terminus of theBRIP1 gene, is not expected to trigger nonsense-mediated mRNA decay, and impacts the last 180 amino acids of the protein. The exact functional impact of these impacted amino acids is unknown. While the C-terminal region of the BRIP1 protein has been shown by structural, biochemical, and mutational analysis to be relevant for some aspects of BRIP1 protein function (Gong Z et al. Mol. Cell, 2010 Feb;37:438-46; Leung CC et al. J. Biol. Chem. 2011 Feb; 286(6):4292-301; Xie J et al. PLoS Genet. 2012 Jul; 8(7):e1002786), functional studies have shown that truncations in the 3' terminus of BRIP1 display normal function in response to intra-strand cross-linking agents (Calvo JA et al. Mol Cancer Res, 2021 Jun;19:1015-1025). In addition, 3' truncations in BRIP1 occurring upstream of this variant have been detected in the homozygous or compound heterozygous state in individuals with no reported features of BRIP1-related Fanconi Anemia (FA-J) (Ambry internal data). Based on the available evidence, the clinical significance of this variant remains unclear.

Color Diagnostics, LLC DBA Color Health
Classification: Likely pathogenic for Hereditary cancer-predisposing syndrome. Last evaluated: 2024-12-16. Review status: criteria provided, single submitter. Criteria: ACMG Guidelines, 2015. Collection method: clinical testing. Allele origin: germline.
Comment: This variant deletes 1 nucleotide in exon 20 of the BRIP1 gene, creating a frameshift and premature translation stop signal in the last exon of the gene. This variant is predicted to truncate the carboxyl-terminus including domains involved in BRCA1-binding, DNA damage and replication stress responses and attenuation of DNA damage tolerance pathway in vitro (PMID: 11301010, 14983014, 20159562, 20173781, 22792074). This variant has been reported in an individual affected with endometrial cancer (PMID: 28452373). This variant has not been identified in the general population by the Genome Aggregation Database (gnomAD). Loss of BRIP1 function is a known mechanism of disease. Based on the available evidence, this variant is classified as Likely Pathogenic.

Women's Health and Genetics/Laboratory Corporation of America, LabCorp
Classification: Likely pathogenic for Hereditary breast ovarian cancer syndrome. Last evaluated: 2023-05-18. Review status: criteria provided, single submitter. Criteria: LabCorp Variant Classification Summary - May 2015. Collection method: clinical testing. Allele origin: germline.
Comment: Variant summary: BRIP1 c.3208delT (p.Ser1070GlnfsX8) results in a premature termination codon, and although it is not expected to undergo nonsense mediated decay, it is predicted to cause a truncation of the encoded protein, a commonly known mechanism for disease. The variant was absent in 251388 control chromosomes (gnomAD). c.3208delT has been reported in the literature in an individual affected with breast cancer and in an individual affected with endometrial cancer (Lu_2015, Kraya_2019). To our knowledge, no experimental evidence directly examining the impact of this variant on protein function has been reported. However, this variant disrupts the TopBP1-binding domain of the BRIP1 protein, including the C-terminal Thr1133 residue required for interaction with TopB1, which plays a critical role in DNA damage response (Gong_2010). The following publications have been ascertained in the context of this evaluation (PMID: 30914433, 26689913, 20159562). Four clinical diagnostic laboratories have submitted clinical-significance assessments for this variant to ClinVar after 2014 and all classified the variant as likely pathogenic. Based on the evidence outlined above, the variant was classified as likely pathogenic.

GeneDx
Classification: Likely pathogenic. Last evaluated: 2019-11-27. Review status: criteria provided, single submitter. Criteria: GeneDx Variant Classification Process June 2021. Collection method: clinical testing. Allele origin: germline. Affected: yes.
Comment: Frameshift variant in the C-terminus predicted to result in protein truncation, as the last 180 amino acids are lost and replaced with 7 incorrect amino acids (Stenson 2014); Has not been previously published as pathogenic or benign to our knowledge; Not observed in large population cohorts (Lek 2016); This variant is associated with the following publications: (PMID: 26689913, 29922827)

Literature cited by the submitters: PubMed 28452373 (cited by 3 submitters); PubMed 30914433 (cited by Labcorp Genetics (formerly Invitae), Labcorp and Women's Health and Genetics/Laboratory Corporation of America, LabCorp); PubMed 36451132 (cited by Labcorp Genetics (formerly Invitae), Labcorp and Quest Diagnostics Nichols Institute San Juan Capistrano); PubMed 29922827 (cited by Quest Diagnostics Nichols Institute San Juan Capistrano); PubMed 29625052 (cited by Quest Diagnostics Nichols Institute San Juan Capistrano); PubMed 20068231 (cited by Ambry Genetics); PubMed 22792074 (cited by Ambry Genetics and Color Diagnostics, LLC DBA Color Health); PubMed 26689913 (cited by Ambry Genetics and Women's Health and Genetics/Laboratory Corporation of America, LabCorp); PubMed 11301010 (cited by Color Diagnostics, LLC DBA Color Health); PubMed 14983014 (cited by Color Diagnostics, LLC DBA Color Health); PubMed 20159562 (cited by Color Diagnostics, LLC DBA Color Health and Women's Health and Genetics/Laboratory Corporation of America, LabCorp); PubMed 20173781 (cited by Color Diagnostics, LLC DBA Color Health).